The following is an entry in ClinVar:

ClinVar aggregate classification (germline): Likely benign (1 of 4 stars; one submission).

Allele frequency attached by ClinVar (database versions not stated): ESP Exome Variant Server 0.00046; 1000 Genomes Project 30x 0.00047; 1000 Genomes Project 0.00060.
gnomAD v4.1: 1,420 of 1,594,432 alleles (0.089%); highest among the groups gnomAD compares: South Asian, 0.72%; 11 homozygotes.

Submission:

CeGaT Center for Human Genetics Tuebingen
Classification: Likely benign. Last evaluated: 2022-12-01. Review status: criteria provided, single submitter. Criteria: CeGaT Center For Human Genetics Tuebingen Variant Classification Criteria Version 2. Collection method: clinical testing. Allele origin: germline. Affected: yes. Observed: 1 variant allele.
Comment: MPHOSPH8: BP4, BP7, BS2

NM_017520.4(MPHOSPH8):c.906G>A (p.Gln302=)

Gene: MPHOSPH8 (M-phase phosphoprotein 8; plus strand). Cytogenetic location: 13q12.11.
Variant type: single nucleotide variant.
Coding change: c.906G>A on transcript NM_017520.4 (MANE Select); coding-DNA position 906, G replaced by A.
Protein change: p.Gln302=; no amino-acid change (glutamine 302 retained).
Molecular consequence: synonymous variant.
Genome position (GRCh38, 1-based): chr13:19,646,979, G>A. VCF-style: chr13-19646979-G-A. GRCh37 (hg19) VCF-style: chr13-20221119-G-A.
Identifiers: ClinVar variation 2643665 (VCV002643665.24), dbSNP rs376037584, ClinGen allele CA6901557.